The following is an entry in ClinVar:

NC_000010.10:g.(?_13164365)_(13168059_?)dup

Gene: OPTN (optineurin; plus strand). Cytogenetic location: 10p13.
Variant type: Duplication.
Identifiers: ClinVar variation 3244822 (VCV003244822.1).

ClinVar aggregate classification (germline): Likely pathogenic (1 of 4 stars; one submission).

Conditions:
Primary open angle glaucoma (POAG). Also called: OPTN-related open angle glaucoma. Identifiers: MedGen C0339573, MONDO:0100553, OMIM 137760.
Glaucoma 1, open angle, E. Identifiers: MedGen C1842026, MONDO:0007665.
Amyotrophic lateral sclerosis type 12 (ALS12). Also called: AMYOTROPHIC LATERAL SCLEROSIS 12 WITH OR WITHOUT FRONTOTEMPORAL DEMENTIA. Identifiers: Orphanet 803, MedGen C3150692, MONDO:0013264, OMIM 613435.

Submission:

Labcorp Genetics (formerly Invitae), Labcorp
Classification: Likely pathogenic for Primary open angle glaucoma; Glaucoma 1, open angle, E; Amyotrophic lateral sclerosis type 12. Last evaluated: 2023-06-24. Review status: criteria provided, single submitter. Criteria: Invitae Variant Classification Sherloc (09022015). Collection method: clinical testing. Allele origin: unknown.
Comment: This variant results in a copy number gain of the genomic region encompassing exon(s) 7-10 of the OPTN gene. While the exact position of this variant cannot be determined from the data, sub-genic copy number gains are generally in tandem (PMID: 25640679). This variant is predicted to be out-of-frame, and may result in an absent or disrupted protein product. Loss-of-function variants in OPTN are known to be pathogenic (PMID: 20428114). This variant has not been reported in the literature in individuals affected with OPTN-related conditions. In summary, the currently available evidence indicates that the variant is pathogenic, but additional data are needed to prove that conclusively. Therefore, this variant has been classified as Likely Pathogenic.

Literature cited by the submitters: PubMed 25640679; PubMed 20428114.